The following is an entry in ClinVar:

NM_001822.7(CHN1):c.*643A>T

Gene: CHN1 (chimerin 1; minus strand). Cytogenetic location: 2q31.1.
Variant type: single nucleotide variant.
Coding change: c.*643A>T on transcript NM_001822.7 (MANE Select); 643 bases downstream of the stop codon, A replaced by T.
Molecular consequence: 3 prime UTR variant. On other transcripts: non-coding transcript variant (1).
Genome position (GRCh38, 1-based): chr2:174,799,473, T>A on the plus strand (A>T on the coding strand, the complement: CHN1 is on the minus strand). VCF-style: chr2-174799473-T-A. GRCh37 (hg19) VCF-style: chr2-175664201-T-A.
Other names: c.*643A>T (NM_001025201.4, NM_001206602.2, NM_001371513.1 and 1 more transcripts).
Identifiers: ClinVar variation 332457 (VCV000332457.5), dbSNP rs74780149, ClinGen allele CA1974750.

ClinVar aggregate classification (germline): Likely benign (1 of 4 stars; one submission).

Conditions:
Duane retraction syndrome 2. Identifiers: Orphanet 233, MedGen C0751083, MONDO:0011444, OMIM 604356.

Allele frequency attached by ClinVar (database versions not stated): ExAC 0.00037; gnomAD exomes 0.00077 and 0.00132; gnomAD 0.00630 and 0.00675; TOPMed 0.00693; 1000 Genomes Project 0.00859; 1000 Genomes Project 30x 0.00859.

Submission:

Illumina Laboratory Services, Illumina
Classification: Likely benign for Duane retraction syndrome 2. Last evaluated: 2018-01-13. Review status: criteria provided, single submitter. Criteria: ICSL Variant Classification Criteria 13 December 2019. Collection method: clinical testing. Allele origin: germline.
Comment: This variant was observed in the ICSL laboratory as part of a predisposition screen in an ostensibly healthy population. It had not been previously curated by ICSL or reported in the Human Gene Mutation Database (HGMD: prior to June 1st, 2018), and was therefore a candidate for classification through an automated scoring system. Utilizing variant allele frequency, disease prevalence and penetrance estimates, and inheritance mode, an automated score was calculated to assess if this variant is too frequent to cause the disease. Based on the score and internal cut-off values, a variant classified as likely benign is not then subjected to further curation. The score for this variant resulted in a classification of likely benign for this disease.